The following is an entry in ClinVar:

ClinVar aggregate classification (germline): Benign/Likely benign. Review status: criteria provided, multiple submitters, no conflicts (2 of 4 stars). 5 submissions from 5 submitters: Benign (1); Likely benign (4). Last evaluated 2025-12-15.

Conditions:
Aortic aneurysm, familial thoracic 4 (AAT4). Also called: AORTIC ANEURYSM/AORTIC DISSECTION AND PATENT DUCTUS ARTERIOSUS. Identifiers: MedGen C1851504, MONDO:0007568, OMIM 132900.
Familial thoracic aortic aneurysm and aortic dissection (TAAD). Also called: Thoracic aortic aneurysms and dissections. Identifiers: Orphanet 91387, MedGen C4707243, MONDO:0019625.

Submissions (6):

Labcorp Genetics (formerly Invitae), Labcorp
Classification: Likely benign for Aortic aneurysm, familial thoracic 4. Last evaluated: 2025-12-15. Review status: criteria provided, single submitter. Criteria: Invitae Variant Classification Sherloc (09022015). Collection method: clinical testing. Allele origin: germline.

Blueprint Genetics
Classification: Likely benign. Last evaluated: 2024-08-27. Review status: criteria provided, single submitter. Criteria: ACMG Guidelines, 2015. Collection method: clinical testing. Allele origin: germline.

Women's Health and Genetics/Laboratory Corporation of America, LabCorp
Classification: Benign. Last evaluated: 2022-05-02. Review status: criteria provided, single submitter. Criteria: LabCorp Variant Classification Summary - May 2015. Collection method: clinical testing. Allele origin: germline.
Comment: Variant summary: MYH11 c.4975-18_4975-15delCCCT alters a nucleotide located close to a canonical splice site and therefore could affect mRNA splicing, leading to a significantly altered protein sequence. 4/4 computational tools predict no significant impact on normal splicing, however, these predictions have yet to be confirmed by functional studies. The variant allele was found at a frequency of 9.1e-05 in 251412 control chromosomes (gnomAD), predominantly within the Latino- and Southern European subpopulations, at a frequency of 0.00029 and 0.00043, respectively. The observed variant frequency in these subpopulations is approximately 20-30 fold higher than the estimated maximal expected allele frequency for a pathogenic variant in MYH11 causing Thoracic Aortic Aneurysms and Dissections (1.3e-05), strongly suggesting that the variant is a benign polymorphism. To our knowledge, no occurrence of c.4975-18_4975-15delCCCT in individuals affected with Thoracic Aortic Aneurysms and Dissections and no experimental evidence demonstrating its impact on protein function have been reported. Three ClinVar submitters have assessed the variant since 2014: all classified the variant as likely benign. Based on the evidence outlined above, the variant was classified as benign.

Color Diagnostics, LLC DBA Color Health
Classification: Likely benign for Familial thoracic aortic aneurysm and aortic dissection. Last evaluated: 2018-10-24. Review status: criteria provided, single submitter. Criteria: ACMG Guidelines, 2015. Collection method: clinical testing. Allele origin: germline.

GeneDx
Classification: Likely benign. Last evaluated: 2018-04-24. Review status: criteria provided, single submitter. Criteria: GeneDx Variant Classification (06012015). Collection method: clinical testing. Allele origin: germline. Affected: yes.
Comment: This variant is considered likely benign or benign based on one or more of the following criteria: it is a conservative change, it occurs at a poorly conserved position in the protein, it is predicted to be benign by multiple in silico algorithms, and/or has population frequency not consistent with disease.

Dr. Peter K. Rogan Lab, Western University
No classification provided (evidence only). Condition: Gastric cancer. Review status: no classification provided. Collection method: in vitro. Allele origin: not applicable. Functional consequence: retained intron. Not counted in ClinVar's aggregate classification.

NM_002474.3(MYH11):c.4954-18_4954-15del

Genes: MYH11 (myosin heavy chain 11; minus strand), NDE1 (nudE neurodevelopment protein 1; plus strand). Cytogenetic location: 16p13.11.
Variant type: Deletion.
Coding change: c.4954-18_4954-15del on transcript NM_002474.3 (MANE Select); 18 bases into the intron before coding-DNA position 4954 through 15 bases into the intron before coding-DNA position 4954, 4 bases deleted (CCCT; older notation c.4954-18_4954-15delCCCT).
Molecular consequence: intron variant.
Genome position (GRCh38, 1-based): chr16:15,719,728-15,719,731, AGGG deleted on the plus strand (CCCT on the coding strand, the reverse complement: MYH11 is on the minus strand); deleting any 4 consecutive bases within chr16:15,719,728-15,719,734 gives the same sequence; the c. name uses the placement nearest the transcript's 3' end. VCF-style (leftmost placement, unchanged base first): chr16-15719727-CAGGG-C. GRCh37 (hg19) VCF-style: chr16-15813584-CAGGG-C.
Other names: NC_000016.9:g.15813588_15813591del; c.4954-21_4954-18del (NM_002474.3); c.948-4460_948-4457del (NM_001143979.2, NM_017668.3); c.4954-18_4954-15del (NM_022844.3); c.4975-18_4975-15del (NM_001040114.2, NM_001040113.2); c.4975-18_4975-15delCCCT (NM_001040113.1).
Identifiers: ClinVar variation 682274 (VCV000682274.13), dbSNP rs766943222, ClinGen allele CA7921483.